The following is an entry in ClinVar:

ClinVar aggregate classification (germline): Likely benign (0 of 4 stars; one submission).

Conditions:
ITPR1-related disorder. Also called: ITPR1-related condition.

Allele frequency attached by ClinVar (database versions not stated): gnomAD exomes below 0.00001.
gnomAD v4.1: 3 of 1,600,016 alleles (0.00019%); highest among the groups gnomAD compares: Non-Finnish European, 0.00026%; no homozygotes.

Submission:

PreventionGenetics, part of Exact Sciences
Classification: Likely benign for ITPR1-related condition. Last evaluated: 2023-02-08. Review status: no assertion criteria provided. Collection method: clinical testing. Allele origin: germline.
Comment: This variant is classified as likely benign based on ACMG/AMP sequence variant interpretation guidelines (Richards et al. 2015 PMID: 25741868, with internal and published modifications).

NM_001378452.1(ITPR1):c.2175G>A (p.Lys725=)

Gene: ITPR1 (inositol 1,4,5-trisphosphate receptor type 1; plus strand). Cytogenetic location: 3p26.1.
Variant type: single nucleotide variant.
Coding change: c.2175G>A on transcript NM_001378452.1 (MANE Select); coding-DNA position 2175, G replaced by A.
Protein change: p.Lys725=; no amino-acid change (lysine 725 retained).
Molecular consequence: synonymous variant.
Genome position (GRCh38, 1-based): chr3:4,670,897, G>A. VCF-style: chr3-4670897-G-A. GRCh37 (hg19) VCF-style: chr3-4712581-G-A.
Other names: c.2175G>A, p.Lys725= (NM_001099952.4); c.2130G>A, p.Lys710= (NM_001168272.2, NM_002222.7).
Identifiers: ClinVar variation 3043778 (VCV003043778.2), dbSNP rs1000646311, ClinGen allele CA68820161.